The following is an entry in ClinVar:

ClinVar aggregate classification (germline): Benign (1 of 4 stars; one submission).

Submission:

GeneDx
Classification: Benign. Last evaluated: 2018-06-19. Review status: criteria provided, single submitter. Criteria: GeneDx Variant Classification (06012015). Collection method: clinical testing. Allele origin: germline. Affected: yes.
Comment: This variant is considered likely benign or benign based on one or more of the following criteria: it is a conservative change, it occurs at a poorly conserved position in the protein, it is predicted to be benign by multiple in silico algorithms, and/or has population frequency not consistent with disease.

NM_000080.4(CHRNE):c.1326+21_1326+40del

Gene: CHRNE (cholinergic receptor nicotinic epsilon subunit; minus strand). Cytogenetic location: 17p13.2.
Variant type: Deletion.
Coding change: c.1326+21_1326+40del on transcript NM_000080.4 (MANE Select); bases 21 to 40 of the intron after coding-DNA position 1326, 20 bases deleted (GGGTGGAGCGAGGCAGAGGC).
Molecular consequence: intron variant.
Genome position (GRCh38, 1-based): chr17:4,898,961-4,898,980, GCCTCTGCCTCGCTCCACCC deleted on the plus strand (GGGTGGAGCGAGGCAGAGGC on the coding strand, the reverse complement: CHRNE is on the minus strand); deleting any 20 consecutive bases within chr17:4,898,961-4,898,987 gives the same sequence; the c. name uses the placement nearest the transcript's 3' end. VCF-style (leftmost placement, unchanged base first): chr17-4898960-GGCCTCTGCCTCGCTCCACCC-G. GRCh37 (hg19) VCF-style: chr17-4802255-GGCCTCTGCCTCGCTCCACCC-G.
Identifiers: ClinVar variation 680256 (VCV000680256.1), dbSNP rs147753790, ClinGen allele CA8313872.